The following is an entry in ClinVar:

ClinVar aggregate classification (germline): Uncertain significance (1 of 4 stars; one submission).

Allele frequency attached by ClinVar (database versions not stated): gnomAD 0.00003.

Submission:

GeneDx
Classification: Uncertain significance. Last evaluated: 2020-07-21. Review status: criteria provided, single submitter. Criteria: GeneDx Variant Classification Process June 2021. Collection method: clinical testing. Allele origin: germline. Affected: yes.
Comment: Not observed in large population cohorts (Lek et al., 2016); Has not been previously published as pathogenic or benign to our knowledge; In-silico analysis, which includes splice predictors and evolutionary conservation, is inconclusive as to whether the variant alters gene splicing. In the absence of RNA/functional studies, the actual effect of this sequence change is unknown.

NM_001164508.2(NEB):c.15975+4C>T

Gene: NEB (nebulin; minus strand). Cytogenetic location: 2q23.3.
Variant type: single nucleotide variant.
Coding change: c.15975+4C>T on transcript NM_001164508.2 (MANE Select); 4 bases into the intron after coding-DNA position 15975, C replaced by T.
Molecular consequence: intron variant.
Genome position (GRCh38, 1-based): chr2:151,583,451, G>A on the plus strand (C>T on the coding strand, the complement: NEB is on the minus strand). VCF-style: chr2-151583451-G-A. GRCh37 (hg19) VCF-style: chr2-152439965-G-A.
Other names: c.11602-7097C>T (NM_004543.5); c.15975+4C>T (NM_001164507.2, NM_001271208.2).
Identifiers: ClinVar variation 1182643 (VCV001182643.2), dbSNP rs2097157524, ClinGen allele CA1037876249.